The following is an entry in ClinVar:

ClinVar aggregate classification (germline): Pathogenic (1 of 4 stars; one submission).

Submission:

Labcorp Genetics (formerly Invitae), Labcorp
Classification: Pathogenic. Last evaluated: 2024-10-28. Review status: criteria provided, single submitter. Criteria: Invitae Variant Classification Sherloc (09022015). Collection method: clinical testing. Allele origin: germline.
Comment: This sequence change creates a premature translational stop signal (p.Thr338Asnfs*3) in the FECH gene. It is expected to result in an absent or disrupted protein product. Loss-of-function variants in FECH are known to be pathogenic (PMID: 20105171, 23016163, 23364466). This variant is not present in population databases (gnomAD no frequency). This variant has not been reported in the literature in individuals affected with FECH-related conditions. For these reasons, this variant has been classified as Pathogenic.

Literature cited by the submitters: PubMed 20105171; PubMed 23016163; PubMed 23364466.

NM_000140.5(FECH):c.1012dup (p.Thr338fs)

Gene: FECH (ferrochelatase; minus strand). Cytogenetic location: 18q21.31.
Variant type: Duplication.
Coding change: c.1012dup on transcript NM_000140.5 (MANE Select); coding-DNA position 1012, one base duplicated (A; older notation c.1012dupA).
Protein change: p.Thr338fs; shifts the reading frame from threonine 338.
Molecular consequence: frameshift variant.
Genome position (GRCh38, 1-based): chr18:57,554,325, T duplicated on the plus strand (A on the coding strand, the reverse complement: FECH is on the minus strand). VCF-style (leftmost placement, unchanged base first): chr18-57554324-G-GT. GRCh37 (hg19) VCF-style: chr18-55221556-G-GT.
Other names: c.1030dup, p.Thr344fs (NM_001012515.4); c.913dup, p.Thr305fs (NM_001371094.1); c.796dup, p.Thr266fs (NM_001371095.1); c.1012dup, p.Thr338fs (NM_001374778.1); short protein forms T266fs, T305fs, T338fs, T344fs.
Identifiers: ClinVar variation 3723986 (VCV003723986.2).
Genomic context (GRCh38, chr18:57,554,324, plus strand): 5'-TTGGCTAAAACTTGAGAGTACTCGATGTCCAGCTCATACAGCGTTTCAATATGGTCACTG[G>GT]TAAATGCTATCGGAACCAAGAGGATATTCTTCCTCCCCCTCTCACAAAGCCCTTTGATAG-3'